The following is an entry in ClinVar:

NM_001379500.1(COL18A1):c.1411A>C (p.Met471Leu)

Gene: COL18A1 (collagen type XVIII alpha 1 chain; plus strand). Cytogenetic location: 21q22.3.
Variant type: single nucleotide variant.
Coding change: c.1411A>C on transcript NM_001379500.1 (MANE Select); coding-DNA position 1411, A replaced by C.
Protein change: p.Met471Leu; replaces methionine 471 with leucine.
Molecular consequence: missense variant.
Genome position (GRCh38, 1-based): chr21:45,480,479, A>C. VCF-style: chr21-45480479-A-C. GRCh37 (hg19) VCF-style: chr21-46900393-A-C.
Other names: NM_130445.2:c.1411A>C; c.1951A>C, p.Met651Leu (NM_030582.4); c.2656A>C, p.Met886Leu (NM_130444.3); short protein forms M471L, M651L, M886L.
Identifiers: ClinVar variation 1948469 (VCV001948469.5), dbSNP rs759635724, ClinGen allele CA10066314.

ClinVar aggregate classification (germline): Uncertain significance. Review status: criteria provided, multiple submitters, no conflicts (2 of 4 stars). 2 submissions from 2 submitters: Uncertain significance (2). Last evaluated 2025-08-12.

Conditions:
Inborn genetic diseases. Identifiers: MedGen C0950123, MeSH D030342.

gnomAD v4.1: 2 of 1,614,066 alleles (0.00012%); highest among the groups gnomAD compares: Admixed American, 0.0033%; no homozygotes.

Submissions (2):

Ambry Genetics
Classification: Uncertain significance for Inborn genetic diseases. Last evaluated: 2025-08-12. Review status: criteria provided, single submitter. Criteria: Ambry Variant Classification Scheme 2023. Collection method: clinical testing. Allele origin: germline.

Labcorp Genetics (formerly Invitae), Labcorp
Classification: Uncertain significance. Last evaluated: 2022-03-04. Review status: criteria provided, single submitter. Criteria: Invitae Variant Classification Sherloc (09022015). Collection method: clinical testing. Allele origin: germline.
Comment: This variant has not been reported in the literature in individuals affected with COL18A1-related conditions. In summary, the available evidence is currently insufficient to determine the role of this variant in disease. Therefore, it has been classified as a Variant of Uncertain Significance. Experimental studies and prediction algorithms are not available or were not evaluated, and the functional significance of this variant is currently unknown. This variant is present in population databases (rs759635724, gnomAD 0.006%). This sequence change replaces methionine, which is neutral and non-polar, with leucine, which is neutral and non-polar, at codon 471 of the COL18A1 protein (p.Met471Leu).